The following is an entry in ClinVar:

ClinVar aggregate classification (germline): Uncertain significance (1 of 4 stars; one submission).

Conditions:
Joubert syndrome. Also called: CEREBELLOPARENCHYMAL DISORDER IV; JOUBERT-BOLTSHAUSER SYNDROME; Familial aplasia of the vermis. Identifiers: Orphanet 475, MedGen C5979921, MONDO:0018772.

Submission:

Labcorp Genetics (formerly Invitae), Labcorp
Classification: Uncertain significance for Joubert syndrome. Last evaluated: 2022-09-13. Review status: criteria provided, single submitter. Criteria: Invitae Variant Classification Sherloc (09022015). Collection method: clinical testing. Allele origin: germline.
Comment: This sequence change replaces valine, which is neutral and non-polar, with leucine, which is neutral and non-polar, at codon 133 of the AHI1 protein (p.Val133Leu). This variant is not present in population databases (gnomAD no frequency). This variant has not been reported in the literature in individuals affected with AHI1-related conditions. Advanced modeling of protein sequence and biophysical properties (such as structural, functional, and spatial information, amino acid conservation, physicochemical variation, residue mobility, and thermodynamic stability) performed at Invitae indicates that this missense variant is not expected to disrupt AHI1 protein function. In summary, the available evidence is currently insufficient to determine the role of this variant in disease. Therefore, it has been classified as a Variant of Uncertain Significance.

NM_001134831.2(AHI1):c.397G>C (p.Val133Leu)

Gene: AHI1 (Abelson helper integration site 1; minus strand). Cytogenetic location: 6q23.3.
Variant type: single nucleotide variant.
Coding change: c.397G>C on transcript NM_001134831.2 (MANE Select); coding-DNA position 397, G replaced by C.
Protein change: p.Val133Leu; replaces valine 133 with leucine.
Molecular consequence: missense variant.
Genome position (GRCh38, 1-based): chr6:135,466,166, C>G on the plus strand (G>C on the coding strand, the complement: AHI1 is on the minus strand). VCF-style: chr6-135466166-C-G. GRCh37 (hg19) VCF-style: chr6-135787304-C-G.
Other names: c.397G>C, p.Val133Leu (NM_001134830.2, NM_001134832.2, NM_001350503.2 and 2 more transcripts); short protein forms V133L.
Identifiers: ClinVar variation 1933414 (VCV001933414.2), dbSNP rs2485019386, ClinGen allele CA365751760.